The following is an entry in ClinVar:

ClinVar aggregate classification (germline): Likely benign. Review status: criteria provided, multiple submitters, no conflicts (2 of 4 stars). 4 submissions from 4 submitters: Likely benign (4). Last evaluated 2026-05-11.

Conditions:
Myofibrillar myopathy 5. Also called: Filaminopathy (type); FILAMINOPATHY, AUTOSOMAL DOMINANT. Identifiers: Orphanet 171445, MedGen C1836050, MONDO:0012289, OMIM 609524.
Distal myopathy with posterior leg and anterior hand involvement. Also called: WILLIAMS DISTAL MYOPATHY. Identifiers: Orphanet 63273, MedGen C3279722, MONDO:0013550, OMIM 614065.
Hypertrophic cardiomyopathy 26. Also called: Cardiomyopathy, familial hypertrophic, 26. Identifiers: Orphanet 75249, MedGen C4310749, MONDO:0014883, OMIM 617047.
Cardiovascular phenotype. Identifiers: MedGen CN230736.
FLNC-related disorder. Also called: FLNC-related disorders; FLNC-related condition.

Allele frequency attached by ClinVar (database versions not stated): gnomAD 0.00010 and 0.00011; gnomAD exomes 0.00002 and 0.00005; ExAC 0.00007; ESP Exome Variant Server 0.00008; TOPMed 0.00010.
gnomAD v4.1: 54 of 1,613,818 alleles (0.0033%); highest among the groups gnomAD compares: South Asian, 0.016%; no homozygotes.

Submissions (4):

PreventionGenetics, part of Exact Sciences
Classification: Likely benign for FLNC-related condition. Last evaluated: 2026-05-11. Review status: criteria provided, single submitter. Criteria: ACMG Guidelines, 2015. Collection method: clinical testing. Allele origin: germline.
Comment: This variant is classified as likely benign based on ACMG/AMP sequence variant interpretation guidelines (Richards et al. 2015 PMID: 25741868, with internal and published modifications).

Labcorp Genetics (formerly Invitae), Labcorp
Classification: Likely benign for Distal myopathy with posterior leg and anterior hand involvement; Myofibrillar myopathy 5; Hypertrophic cardiomyopathy 26. Last evaluated: 2025-11-12. Review status: criteria provided, single submitter. Criteria: Invitae Variant Classification Sherloc (09022015). Collection method: clinical testing. Allele origin: germline.

CeGaT Center for Human Genetics Tuebingen
Classification: Likely benign. Last evaluated: 2024-01-01. Review status: criteria provided, single submitter. Criteria: CeGaT Center For Human Genetics Tuebingen Variant Classification Criteria Version 2. Collection method: clinical testing. Allele origin: germline. Affected: yes. Observed: 1 variant allele.
Comment: FLNC: BP4, BP7

Ambry Genetics
Classification: Likely benign for Cardiovascular phenotype. Last evaluated: 2021-01-19. Review status: criteria provided, single submitter. Criteria: Ambry Variant Classification Scheme 2023. Collection method: clinical testing. Allele origin: germline.

NM_001458.5(FLNC):c.5760G>A (p.Pro1920=)

Genes: FLNC (filamin C; plus strand), FLNC-AS1 (FLNC antisense RNA 1; minus strand). Cytogenetic location: 7q32.1.
Variant type: single nucleotide variant.
Coding change: c.5760G>A on transcript NM_001458.5 (MANE Select); coding-DNA position 5760, G replaced by A.
Protein change: p.Pro1920=; no amino-acid change (proline 1920 retained).
Molecular consequence: synonymous variant.
Genome position (GRCh38, 1-based): chr7:128,851,546, G>A. VCF-style: chr7-128851546-G-A. GRCh37 (hg19) VCF-style: chr7-128491600-G-A.
Other names: c.5661G>A, p.Pro1887= (NM_001127487.2).
Identifiers: ClinVar variation 772544 (VCV000772544.36), dbSNP rs375912712, ClinGen allele CA4475775.